The following is an entry in ClinVar:

NM_001282531.3(ADNP):c.1747G>T (p.Ala583Ser)

Gene: ADNP (activity dependent neuroprotector homeobox; minus strand). Cytogenetic location: 20q13.13.
Variant type: single nucleotide variant.
Coding change: c.1747G>T on transcript NM_001282531.3 (MANE Select); coding-DNA position 1747, G replaced by T.
Protein change: p.Ala583Ser; replaces alanine 583 with serine.
Molecular consequence: missense variant.
Genome position (GRCh38, 1-based): chr20:50,892,967, C>A on the plus strand (G>T on the coding strand, the complement: ADNP is on the minus strand). VCF-style: chr20-50892967-C-A. GRCh37 (hg19) VCF-style: chr20-49509504-C-A.
Other names: c.1747G>T, p.Ala583Ser (NM_001282532.2, NM_001347511.2, NM_015339.5 and 1 more transcripts); short protein forms A583S.
Identifiers: ClinVar variation 1195748 (VCV001195748.8), dbSNP rs141535413, ClinGen allele CA9908691.

ClinVar aggregate classification (germline): Conflicting classifications of pathogenicity. Review status: criteria provided, conflicting classifications (1 of 4 stars). 3 submissions from 3 submitters: Uncertain significance (1); Likely benign (2). Last evaluated 2025-05-18.

Conditions:
Inborn genetic diseases. Identifiers: MedGen C0950123, MeSH D030342.

Allele frequency attached by ClinVar (database versions not stated): gnomAD exomes 0.00001 and 0.00002; ExAC 0.00002; gnomAD 0.00007 and 0.00008; TOPMed 0.00008; ESP Exome Variant Server 0.00023.
gnomAD v4.1: 24 of 1,614,060 alleles (0.0015%); highest among the groups gnomAD compares: African/African-American, 0.024%; no homozygotes.

Submissions (3):

Ambry Genetics
Classification: Likely benign for Inborn genetic diseases. Last evaluated: 2025-05-18. Review status: criteria provided, single submitter. Criteria: Ambry Variant Classification Scheme 2023. Collection method: clinical testing. Allele origin: germline.

Labcorp Genetics (formerly Invitae), Labcorp
Classification: Uncertain significance. Last evaluated: 2024-11-11. Review status: criteria provided, single submitter. Criteria: Invitae Variant Classification Sherloc (09022015). Collection method: clinical testing. Allele origin: germline.
Comment: This sequence change replaces alanine, which is neutral and non-polar, with serine, which is neutral and polar, at codon 583 of the ADNP protein (p.Ala583Ser). This variant is present in population databases (rs141535413, gnomAD 0.03%). This variant has not been reported in the literature in individuals affected with ADNP-related conditions. ClinVar contains an entry for this variant (Variation ID: 1195748). An algorithm developed to predict the effect of missense changes on protein structure and function (PolyPhen-2) suggests that this variant is likely to be disruptive. In summary, the available evidence is currently insufficient to determine the role of this variant in disease. Therefore, it has been classified as a Variant of Uncertain Significance.

GeneDx
Classification: Likely benign. Last evaluated: 2021-02-03. Review status: criteria provided, single submitter. Criteria: GeneDx Variant Classification Process June 2021. Collection method: clinical testing. Allele origin: germline. Affected: yes.